The following is an entry in ClinVar:

ClinVar aggregate classification (germline): Pathogenic (1 of 4 stars; one submission).

Conditions:
Hereditary acrodermatitis enteropathica (AEZ). Also called: Acrodermatitis enteropathica. Identifiers: Orphanet 37, MedGen C0221036, MONDO:0008713, OMIM 201100.

Submission:

MVZ Dr. Eberhard & Partner Dortmund
Classification: Pathogenic for Hereditary acrodermatitis enteropathica. Last evaluated: 2025-12-02. Review status: criteria provided, single submitter. Criteria: ACMG Guidelines, 2015. Collection method: clinical testing. Allele origin: unknown.
Comment: The variant c.1288-1G>C in SLC39A4 has not been described in literature and is absent from public population databases. It is located in the splice acceptor site of intron 7 and affects the 100% conserved nucleotide at position -1, suggesting a splice defect. In silico splicing analyses show that the variant could impair the splice acceptor site and lead to aberrant splicing. The variant causes the same effect as the variant c.1288-1G>A which is classified as a causative variant.

NM_130849.4(SLC39A4):c.1288-1G>C

Gene: SLC39A4 (solute carrier family 39 member 4; minus strand). Cytogenetic location: 8q24.3.
Variant type: single nucleotide variant.
Coding change: c.1288-1G>C on transcript NM_130849.4 (MANE Select); the canonical splice acceptor site of the intron before coding-DNA position 1288, G replaced by C.
Molecular consequence: splice acceptor variant.
Genome position (GRCh38, 1-based): chr8:144,413,882, C>G on the plus strand (G>C on the coding strand, the complement: SLC39A4 is on the minus strand). VCF-style: chr8-144413882-C-G. GRCh37 (hg19) VCF-style: chr8-145639266-C-G.
Other names: c.1006-1G>C (NM_001374839.1); c.1213-1G>C (NM_017767.3).
Identifiers: ClinVar variation 4533375 (VCV004533375.1).